The following is an entry in ClinVar:

NM_014028.4(OSTM1):c.207G>T (p.Gly69=)

Gene: OSTM1 (osteoclastogenesis associated transmembrane protein 1; minus strand). Cytogenetic location: 6q21.
Variant type: single nucleotide variant.
Coding change: c.207G>T on transcript NM_014028.4 (MANE Select); coding-DNA position 207, G replaced by T.
Protein change: p.Gly69=; no amino-acid change (glycine 69 retained).
Molecular consequence: synonymous variant.
Genome position (GRCh38, 1-based): chr6:108,074,445, C>A on the plus strand (G>T on the coding strand, the complement: OSTM1 is on the minus strand). VCF-style: chr6-108074445-C-A. GRCh37 (hg19) VCF-style: chr6-108395649-C-A.
Identifiers: ClinVar variation 283842 (VCV000283842.18), dbSNP rs80219951, ClinGen allele CA3948114.

ClinVar aggregate classification (germline): Benign. Review status: criteria provided, multiple submitters, no conflicts (2 of 4 stars). 4 submissions from 4 submitters: Benign (4). Last evaluated 2026-02-03.

Conditions:
Autosomal recessive osteopetrosis 5. Identifiers: Orphanet 85179, MedGen C1968603, MONDO:0009817, OMIM 259720.

Allele frequency attached by ClinVar (database versions not stated): gnomAD exomes 0.00780; ExAC 0.01885; gnomAD 0.03308 and 0.03550; ESP Exome Variant Server 0.03423; TOPMed 0.03780; 1000 Genomes Project 0.04014; 1000 Genomes Project 30x 0.04372.
gnomAD v4.1: 9,650 of 1,557,620 alleles (0.62%); highest among the groups gnomAD compares: African/African-American, 12%; 495 homozygotes.

Submissions (4):

Labcorp Genetics (formerly Invitae), Labcorp
Classification: Benign. Last evaluated: 2026-02-03. Review status: criteria provided, single submitter. Criteria: Invitae Variant Classification Sherloc (09022015). Collection method: clinical testing. Allele origin: germline.

GeneDx
Classification: Benign. Last evaluated: 2021-06-10. Review status: criteria provided, single submitter. Criteria: GeneDx Variant Classification Process June 2021. Collection method: clinical testing. Allele origin: germline. Affected: yes.

Illumina Laboratory Services, Illumina
Classification: Benign for Autosomal recessive osteopetrosis 5. Last evaluated: 2018-01-12. Review status: criteria provided, single submitter. Criteria: ICSL Variant Classification Criteria 13 December 2019. Collection method: clinical testing. Allele origin: germline.
Comment: This variant was observed in the ICSL laboratory as part of a predisposition screen in an ostensibly healthy population. It had not been previously curated by ICSL or reported in the Human Gene Mutation Database (HGMD: prior to June 1st, 2018), and was therefore a candidate for classification through an automated scoring system. Utilizing variant allele frequency, disease prevalence and penetrance estimates, and inheritance mode, an automated score was calculated to assess if this variant is too frequent to cause the disease. Based on the score and internal cut-off values, a variant classified as benign is not then subjected to further curation. The score for this variant resulted in a classification of benign for this disease.

Eurofins Ntd Llc (ga)
Classification: Benign. Last evaluated: 2015-10-26. Review status: criteria provided, single submitter. Criteria: EGL Classification Definitions 2015. Collection method: clinical testing. Allele origin: germline. Observed: 1 variant allele, 1 heterozygote.